The following is an entry in ClinVar:

NM_002878.4(RAD51D):c.250A>C (p.Thr84Pro)

Genes: RAD51D (RAD51 paralog D; minus strand), RAD51L3-RFFL (RAD51L3-RFFL readthrough; minus strand). Cytogenetic location: 17q12.
Variant type: single nucleotide variant.
Coding change: c.250A>C on transcript NM_002878.4 (MANE Select); coding-DNA position 250, A replaced by C.
Protein change: p.Thr84Pro; replaces threonine 84 with proline.
Molecular consequence: missense variant. On other transcripts: intron variant (2).
Genome position (GRCh38, 1-based): chr17:35,118,514, T>G on the plus strand (A>C on the coding strand, the complement: RAD51D is on the minus strand). VCF-style: chr17-35118514-T-G. GRCh37 (hg19) VCF-style: chr17-33445533-T-G.
Other names: c.144+597A>C (NM_133629.3, NM_001142571.2); short protein forms T84P.
Identifiers: ClinVar variation 1044249 (VCV001044249.9), dbSNP rs200018296, ClinGen allele CA399091199.

ClinVar aggregate classification (germline): Uncertain significance (1 of 4 stars; one submission).

Conditions:
Breast-ovarian cancer, familial, susceptibility to, 4. Identifiers: Orphanet 145, MedGen C3280345, MONDO:0013669, OMIM 614291.

Submission:

Labcorp Genetics (formerly Invitae), Labcorp
Classification: Uncertain significance for Breast-ovarian cancer, familial, susceptibility to, 4. Last evaluated: 2020-02-11. Review status: criteria provided, single submitter. Criteria: Invitae Variant Classification Sherloc (09022015). Collection method: clinical testing. Allele origin: germline.
Comment: In summary, the available evidence is currently insufficient to determine the role of this variant in disease. Therefore, it has been classified as a Variant of Uncertain Significance. Algorithms developed to predict the effect of missense changes on protein structure and function are either unavailable or do not agree on the potential impact of this missense change (SIFT: "Deleterious"; PolyPhen-2: "Probably Damaging"; Align-GVGD: "Class C0"). This variant has not been reported in the literature in individuals with RAD51D-related conditions. This variant is not present in population databases (ExAC no frequency). This sequence change replaces threonine with proline at codon 84 of the RAD51D protein (p.Thr84Pro). The threonine residue is highly conserved and there is a small physicochemical difference between threonine and proline.